The following is an entry in ClinVar:

NM_014476.6(PDLIM3):c.704G>A (p.Arg235Gln)

Gene: PDLIM3 (PDZ and LIM domain 3; minus strand). Cytogenetic location: 4q35.1.
Variant type: single nucleotide variant.
Coding change: c.704G>A on transcript NM_014476.6 (MANE Select); coding-DNA position 704, G replaced by A.
Protein change: p.Arg235Gln; replaces arginine 235 with glutamine.
Molecular consequence: missense variant. On other transcripts: non-coding transcript variant (1).
Genome position (GRCh38, 1-based): chr4:185,506,611, C>T on the plus strand (G>A on the coding strand, the complement: PDLIM3 is on the minus strand). VCF-style: chr4-185506611-C-T. GRCh37 (hg19) VCF-style: chr4-186427765-C-T.
Other names: c.704G>A (NM_014476.4); c.560G>A, p.Arg187Gln (NM_001114107.5); c.440G>A, p.Arg147Gln (NM_001257962.2); c.203G>A, p.Arg68Gln (NM_001257963.2); short protein forms R235Q, R147Q, R187Q, R68Q.
Identifiers: ClinVar variation 957292 (VCV000957292.12), dbSNP rs765915778, ClinGen allele CA3159718.

ClinVar aggregate classification (germline): Uncertain significance. Review status: criteria provided, multiple submitters, no conflicts (2 of 4 stars). 2 submissions from 2 submitters: Uncertain significance (2). Last evaluated 2025-11-06.

Conditions:
Hypertrophic cardiomyopathy. Also called: HYPERTROPHIC MYOCARDIOPATHY. Identifiers: Orphanet 217569, MedGen C0007194, MeSH D002312, MONDO:0005045, HP:0001639.
Primary dilated cardiomyopathy (DCM). Also called: Dilated Cardiomyopathy. Identifiers: Orphanet 217604, MedGen C0007193, MeSH D002311, MONDO:0005021, HP:0001644. Inheritance: Various modes of inheritance.

Allele frequency attached by ClinVar (database versions not stated): gnomAD exomes 0.00003 and 0.00002; ExAC 0.00004; gnomAD 0.00002 and 0.00003; TOPMed 0.00002.
gnomAD v4.1: 42 of 1,610,348 alleles (0.0026%); highest among the groups gnomAD compares: Middle Eastern, 0.016%; no homozygotes.

Submissions (2):

Labcorp Genetics (formerly Invitae), Labcorp
Classification: Uncertain significance for Hypertrophic cardiomyopathy; Primary dilated cardiomyopathy. Last evaluated: 2025-11-06. Review status: criteria provided, single submitter. Criteria: Invitae Variant Classification Sherloc (09022015). Collection method: clinical testing. Allele origin: germline.
Comment: This sequence change replaces arginine, which is basic and polar, with glutamine, which is neutral and polar, at codon 235 of the PDLIM3 protein (p.Arg235Gln). This variant is present in population databases (rs765915778, gnomAD 0.02%). This variant has not been reported in the literature in individuals affected with PDLIM3-related conditions. ClinVar contains an entry for this variant (Variation ID: 957292). Invitae Evidence Modeling of protein sequence and biophysical properties (such as structural, functional, and spatial information, amino acid conservation, physicochemical variation, residue mobility, and thermodynamic stability) indicates that this missense variant is not expected to disrupt PDLIM3 protein function with a negative predictive value of 80%. In summary, the available evidence is currently insufficient to determine the role of this variant in disease. Therefore, it has been classified as a Variant of Uncertain Significance.

Ambry Genetics
Classification: Uncertain significance. Last evaluated: 2024-08-25. Review status: criteria provided, single submitter. Criteria: Ambry Variant Classification Scheme 2023. Collection method: clinical testing. Allele origin: germline.